The following is an entry in ClinVar:

ClinVar aggregate classification (germline): Pathogenic (1 of 4 stars; one submission).

Conditions:
Deficiency of malonyl-CoA decarboxylase. Also called: Malonic aciduria; MCD deficiency. Identifiers: Orphanet 943, MedGen C0342793, MONDO:0009556, OMIM 248360.

Submission:

Labcorp Genetics (formerly Invitae), Labcorp
Classification: Pathogenic for Deficiency of malonyl-CoA decarboxylase. Last evaluated: 2019-04-09. Review status: criteria provided, single submitter. Criteria: Invitae Variant Classification Sherloc (09022015). Collection method: clinical testing. Allele origin: germline.
Comment: This sequence change creates a premature translational stop signal (p.Ser213Valfs*9) in the MLYCD gene. It is expected to result in an absent or disrupted protein product. This variant is not present in population databases (ExAC no frequency). This variant has not been reported in the literature in individuals with MLYCD-related conditions. Algorithms developed to predict the effect of sequence changes on RNA splicing suggest that this variant may create or strengthen a splice site, but this prediction has not been confirmed by published transcriptional studies. Loss-of-function variants in MLYCD are known to be pathogenic (PMID: 12955715, 17186413). For these reasons, this variant has been classified as Pathogenic.

Literature cited by the submitters: PubMed 12955715; PubMed 17186413.

NM_012213.3(MLYCD):c.637del (p.Ser213fs)

Gene: MLYCD (malonyl-CoA decarboxylase; plus strand). Cytogenetic location: 16q23.3.
Variant type: Deletion.
Coding change: c.637del on transcript NM_012213.3 (MANE Select); coding-DNA position 637, one base deleted (A; older notation c.637delA).
Protein change: p.Ser213fs; shifts the reading frame from serine 213.
Molecular consequence: frameshift variant.
Genome position (GRCh38, 1-based): chr16:83,907,095, A deleted. VCF-style (leftmost placement, unchanged base first): chr16-83907094-CA-C. GRCh37 (hg19) VCF-style: chr16-83940699-CA-C.
Other names: short protein forms S213fs.
Identifiers: ClinVar variation 950996 (VCV000950996.3), dbSNP rs1907006084, ClinGen allele CA1139664845.